The following is an entry in ClinVar:

ClinVar aggregate classification (germline): Uncertain significance (1 of 4 stars; one submission).

Conditions:
Brown-Vialetto-van Laere syndrome 1. Also called: BROWN-VIALETTO-VAN LAERE SYNDROME 1, MILD; PONTOBULBAR PALSY WITH DEAFNESS; BULBAR PALSY, PROGRESSIVE, WITH SENSORINEURAL DEAFNESS. Identifiers: Orphanet 572550, Orphanet 97229, MedGen C0796274, MONDO:0024537, OMIM 211530.

Allele frequency attached by ClinVar (database versions not stated): gnomAD exomes 0.00002; gnomAD 0.00002; TOPMed 0.00002.
gnomAD v4.1: 26 of 1,598,772 alleles (0.0016%); highest among the groups gnomAD compares: Non-Finnish European, 0.0022%; no homozygotes.

Submission:

Labcorp Genetics (formerly Invitae), Labcorp
Classification: Uncertain significance for Brown-Vialetto-van Laere syndrome 1. Last evaluated: 2022-08-09. Review status: criteria provided, single submitter. Criteria: Invitae Variant Classification Sherloc (09022015). Collection method: clinical testing. Allele origin: germline.
Comment: This variant is present in population databases (no rsID available, gnomAD 0.007%). This sequence change replaces alanine, which is neutral and non-polar, with valine, which is neutral and non-polar, at codon 2 of the SLC52A3 protein (p.Ala2Val). This variant has not been reported in the literature in individuals affected with SLC52A3-related conditions. ClinVar contains an entry for this variant (Variation ID: 578853). Algorithms developed to predict the effect of missense changes on protein structure and function (SIFT, PolyPhen-2, Align-GVGD) all suggest that this variant is likely to be tolerated. In summary, the available evidence is currently insufficient to determine the role of this variant in disease. Therefore, it has been classified as a Variant of Uncertain Significance.

NM_033409.4(SLC52A3):c.5C>T (p.Ala2Val)

Gene: SLC52A3 (solute carrier family 52 member 3; minus strand). Cytogenetic location: 20p13.
Variant type: single nucleotide variant.
Coding change: c.5C>T on transcript NM_033409.4 (MANE Select); coding-DNA position 5, C replaced by T.
Protein change: p.Ala2Val; replaces alanine 2 with valine.
Molecular consequence: missense variant.
Genome position (GRCh38, 1-based): chr20:765,770, G>A on the plus strand (C>T on the coding strand, the complement: SLC52A3 is on the minus strand). VCF-style: chr20-765770-G-A. GRCh37 (hg19) VCF-style: chr20-746414-G-A.
Other names: c.5C>T, p.Ala2Val (NM_001370085.1, NM_001370086.1); short protein forms A2V.
Identifiers: ClinVar variation 578853 (VCV000578853.7), dbSNP rs1472734097, ClinGen allele CA407964740.